The following is an entry in ClinVar:

NM_014484.5(MOCS3):c.974G>T (p.Arg325Leu)

Gene: MOCS3 (molybdenum cofactor synthesis 3; plus strand). Cytogenetic location: 20q13.13.
Variant type: single nucleotide variant.
Coding change: c.974G>T on transcript NM_014484.5 (MANE Select); coding-DNA position 974, G replaced by T.
Protein change: p.Arg325Leu; replaces arginine 325 with leucine.
Molecular consequence: missense variant.
Genome position (GRCh38, 1-based): chr20:50,959,816, G>T. VCF-style: chr20-50959816-G-T. GRCh37 (hg19) VCF-style: chr20-49576353-G-T.
Other names: short protein forms R325L.
Identifiers: ClinVar variation 4806061 (VCV004806061.1).

ClinVar aggregate classification (germline): Uncertain significance (1 of 4 stars; one submission).

Submission:

Labcorp Genetics (formerly Invitae), Labcorp
Classification: Uncertain significance. Last evaluated: 2025-04-01. Review status: criteria provided, single submitter. Criteria: Invitae Variant Classification Sherloc (09022015). Collection method: clinical testing. Allele origin: germline.
Comment: This sequence change replaces arginine, which is basic and polar, with leucine, which is neutral and non-polar, at codon 325 of the MOCS3 protein (p.Arg325Leu). This variant is not present in population databases (gnomAD no frequency). This variant has not been reported in the literature in individuals affected with MOCS3-related conditions. An algorithm developed to predict the effect of missense changes on protein structure and function outputs the following: PolyPhen-2: "Benign". The leucine amino acid residue is found in multiple mammalian species, which suggests that this missense change does not adversely affect protein function. In summary, the available evidence is currently insufficient to determine the role of this variant in disease. Therefore, it has been classified as a Variant of Uncertain Significance.